The following is an entry in ClinVar:

ClinVar aggregate classification (germline): Uncertain significance (1 of 4 stars; one submission).

Conditions:
NR5A1-related disorder. Also called: NR5A1-related condition.

Submission:

PreventionGenetics, part of Exact Sciences
Classification: Uncertain significance for NR5A1-related condition. Last evaluated: 2022-11-04. Review status: criteria provided, single submitter. Criteria: ACMG Guidelines, 2015. Collection method: clinical testing. Allele origin: germline.
Comment: The NR5A1 c.1061T>A variant is predicted to result in the amino acid substitution p.Leu354Gln. To our knowledge, this variant has not been reported in the literature or in a large population database, indicating this variant is rare. At this time, the clinical significance of this variant is uncertain due to the absence of conclusive functional and genetic evidence.

NM_004959.5(NR5A1):c.1061T>A (p.Leu354Gln)

Gene: NR5A1 (nuclear receptor subfamily 5 group A member 1; minus strand). Cytogenetic location: 9q33.3.
Variant type: single nucleotide variant.
Coding change: c.1061T>A on transcript NM_004959.5 (MANE Select); coding-DNA position 1061, T replaced by A.
Protein change: p.Leu354Gln; replaces leucine 354 with glutamine.
Molecular consequence: missense variant.
Genome position (GRCh38, 1-based): chr9:124,491,158, A>T on the plus strand (T>A on the coding strand, the complement: NR5A1 is on the minus strand). VCF-style: chr9-124491158-A-T. GRCh37 (hg19) VCF-style: chr9-127253437-A-T.
Other names: short protein forms L354Q.
Identifiers: ClinVar variation 2635305 (VCV002635305.1), dbSNP rs2538674117, ClinGen allele CA374880729.